The following is an entry in ClinVar:

ClinVar aggregate classification (germline): Likely pathogenic (1 of 4 stars; one submission).

Conditions:
Nemaline myopathy 2 (NEM2). Also called: Nemaline myopathy 2, autosomal recessive. Identifiers: MedGen C1850569, MONDO:0009725, OMIM 256030.

Submission:

Natera, Inc.
Classification: Likely pathogenic for Nemaline myopathy type 2. Last evaluated: 2025-12-22. Review status: criteria provided, single submitter. Criteria: Natera Variant Classification Schema (03/2026). Collection method: clinical testing. Allele origin: germline.
Comment: The c.11183_11184dup variant in NEB is a frameshift variant predicted to shift the reading frame beginning at codon 3729 and leads to a stop codon 62 codons downstream. This variant is expected to result in nonsense mediated decay, truncation, or a dysfunctional protein product. This variant is rare in the general population with a frequency below the threshold expected for the associated phenotype(s). Given the available evidence, this variant is classified as Likely Pathogenic.

NM_001164508.2(NEB):c.11183_11184dup (p.Leu3729fs)

Gene: NEB (nebulin; minus strand). Cytogenetic location: 2q23.3.
Variant type: Duplication.
Coding change: c.11183_11184dup on transcript NM_001164508.2 (MANE Select); coding-DNA positions 11183 to 11184, 2 bases duplicated (AA; older notation c.11183_11184dupAA).
Protein change: p.Leu3729fs; shifts the reading frame from leucine 3729.
Molecular consequence: frameshift variant.
Genome position (GRCh38, 1-based): chr2:151,616,107-151,616,108, TT duplicated on the plus strand (AA on the coding strand, the reverse complement: NEB is on the minus strand); duplicating any 2 consecutive bases within chr2:151,616,107-151,616,109 gives the same sequence; the c. name uses the placement nearest the transcript's 3' end. VCF-style (leftmost placement, unchanged base first): chr2-151616106-G-GTT. GRCh37 (hg19) VCF-style: chr2-152472620-G-GTT.
Other names: c.11183_11184dup (NM_001271208.1); c.11183_11184dup, p.Leu3729fs (NM_001164507.2, NM_001271208.2); c.10454_10455dup, p.Leu3486fs (NM_004543.5); short protein forms L3486fs, L3729fs.
Identifiers: ClinVar variation 4814704 (VCV004814704.1).